The following is an entry in ClinVar:

NM_201384.3(PLEC):c.8532G>C (p.Ala2844=)

Gene: PLEC (plectin; minus strand). Cytogenetic location: 8q24.3.
Variant type: single nucleotide variant.
Coding change: c.8532G>C on transcript NM_201384.3 (MANE Select); coding-DNA position 8532, G replaced by C.
Protein change: p.Ala2844=; no amino-acid change (alanine 2844 retained).
Molecular consequence: synonymous variant.
Genome position (GRCh38, 1-based): chr8:143,921,289, C>G on the plus strand (G>C on the coding strand, the complement: PLEC is on the minus strand). VCF-style: chr8-143921289-C-G. GRCh37 (hg19) VCF-style: chr8-144995457-C-G.
Other names: c.8613G>C, p.Ala2871= (NM_000445.5); c.8490G>C, p.Ala2830= (NM_201378.4); c.8466G>C, p.Ala2822= (NM_201379.3); c.8943G>C, p.Ala2981= (NM_201380.4); c.8436G>C, p.Ala2812= (NM_201381.3); c.8532G>C, p.Ala2844= (NM_201382.4); c.8544G>C, p.Ala2848= (NM_201383.3).
Identifiers: ClinVar variation 506682 (VCV000506682.12), dbSNP rs782732824, ClinGen allele CA4925273.

ClinVar aggregate classification (germline): Conflicting classifications of pathogenicity. Review status: criteria provided, conflicting classifications (1 of 4 stars). 4 submissions from 4 submitters: Uncertain significance (1); Likely benign (3). Last evaluated 2025-08-06.

Conditions:
Epidermolysis bullosa simplex 5B, with muscular dystrophy (EBS5B). Also called: EPIDERMOLYSIS BULLOSA SIMPLEX AND LIMB-GIRDLE MUSCULAR DYSTROPHY; Epidermolysis bullosa simplex with muscular dystrophy. Identifiers: Orphanet 257, MedGen C2931072, MONDO:0009181, OMIM 226670.
Autosomal recessive limb-girdle muscular dystrophy type 2Q (LGMDR17). Also called: MUSCULAR DYSTROPHY, LIMB-GIRDLE, AUTOSOMAL RECESSIVE 17. Identifiers: Orphanet 254361, MedGen C3150989, MONDO:0013390, OMIM 613723.
Epidermolysis bullosa simplex, Ogna type (EBS5A). Also called: Pidermolysis bullosa simplex 5A, Ogna type; EPIDERMOLYSIS BULLOSA SIMPLEX 5A, OGNA TYPE. Identifiers: Orphanet 79401, MedGen C0432317, MONDO:0007555, OMIM 131950.
Epidermolysis bullosa simplex with nail dystrophy (EBS5D). Identifiers: MedGen C4225309, MONDO:0014661, OMIM 616487.
Epidermolysis bullosa simplex 5C, with pyloric atresia (EBS5C). Also called: PLEC-Related Epidermolysis Bullosa with Pyloric Atresia; Epidermolysis bullosa simplex with pyloric atresia; PLEC1-Related Epidermolysis Bullosa with Pyloric Atresia. Identifiers: Orphanet 158684, MedGen C2677349, MONDO:0012807, OMIM 612138.

Allele frequency attached by ClinVar (database versions not stated): TOPMed 0.00001.
gnomAD v4.1: 15 of 1,613,922 alleles (0.00093%); highest among the groups gnomAD compares: African/African-American, 0.0053%; no homozygotes.

Submissions (4):

Labcorp Genetics (formerly Invitae), Labcorp
Classification: Likely benign for Autosomal recessive limb-girdle muscular dystrophy type 2Q; Epidermolysis bullosa simplex, Ogna type; Epidermolysis bullosa simplex with nail dystrophy; Epidermolysis bullosa simplex 5C, with pyloric atresia; Epidermolysis bullosa simplex 5B, with muscular dystrophy. Last evaluated: 2025-08-06. Review status: criteria provided, single submitter. Criteria: Invitae Variant Classification Sherloc (09022015). Collection method: clinical testing. Allele origin: germline.

Blueprint Genetics
Classification: Likely benign. Last evaluated: 2023-01-11. Review status: criteria provided, single submitter. Criteria: ACMG Guidelines, 2015. Collection method: clinical testing. Allele origin: germline.

Eurofins Ntd Llc (ga)
Classification: Uncertain significance. Last evaluated: 2018-07-05. Review status: criteria provided, single submitter. Criteria: EGL ClinVar v180209 classification definitions. Collection method: clinical testing. Allele origin: germline. Observed: 2 variant alleles.

GeneDx
Classification: Likely benign. Last evaluated: 2018-03-01. Review status: criteria provided, single submitter. Criteria: GeneDx Variant Classification (06012015). Collection method: clinical testing. Allele origin: germline. Affected: yes.
Comment: This variant is considered likely benign or benign based on one or more of the following criteria: it is a conservative change, it occurs at a poorly conserved position in the protein, it is predicted to be benign by multiple in silico algorithms, and/or has population frequency not consistent with disease.